The following is an entry in ClinVar:

ClinVar aggregate classification (germline): Uncertain significance (1 of 4 stars; one submission).

Conditions:
Joubert syndrome. Also called: Familial aplasia of the vermis; CEREBELLOPARENCHYMAL DISORDER IV; JOUBERT-BOLTSHAUSER SYNDROME. Identifiers: Orphanet 475, MedGen C5979921, MONDO:0018772.

Submission:

Labcorp Genetics (formerly Invitae), Labcorp
Classification: Uncertain significance for Joubert syndrome. Last evaluated: 2020-04-29. Review status: criteria provided, single submitter. Criteria: Invitae Variant Classification Sherloc (09022015). Collection method: clinical testing. Allele origin: germline.
Comment: In summary, the available evidence is currently insufficient to determine the role of this variant in disease. Therefore, it has been classified as a Variant of Uncertain Significance. Experimental studies and prediction algorithms are not available or were not evaluated, and the functional significance of this variant is currently unknown. This variant has not been reported in the literature in individuals with INPP5E-related conditions. This variant is present in population databases (rs748503945, ExAC 0.008%). This variant, c.280_282dup, results in the insertion of 1 amino acid(s) to the INPP5E protein (p.Arg95dup), but otherwise preserves the integrity of the reading frame.

NM_019892.6(INPP5E):c.274AGG[4] (p.Arg95dup)

Gene: INPP5E (inositol polyphosphate-5-phosphatase E; minus strand). Cytogenetic location: 9q34.3.
Variant type: Microsatellite.
Coding change: c.274AGG[4] on transcript NM_019892.6 (MANE Select); four copies in a row of the 3-base unit AGG starting at c.274; the reference has three copies in a row; one copy, 3 bases duplicated.
Protein change: p.Arg95dup; duplicates arginine 95.
Molecular consequence: inframe insertion.
Genome position (GRCh38, 1-based): chr9:136,439,138-136,439,140, CCT duplicated on the plus strand (AGG on the coding strand, the reverse complement: INPP5E is on the minus strand); duplicating any 3 consecutive bases within chr9:136,439,138-136,439,148 gives the same sequence; the position shown is the placement nearest the transcript's 3' end. VCF-style (leftmost placement, unchanged base first): chr9-136439137-G-GCCT. GRCh37 (hg19) VCF-style: chr9-139333589-G-GCCT.
Other names: c.274AGG[4], p.Arg95dup (NM_001318502.2).
Identifiers: ClinVar variation 1042064 (VCV001042064.9), dbSNP rs748503945, ClinGen allele CA5337188.